The following is an entry in ClinVar:

NM_018718.3(CEP41):c.1027C>T (p.Arg343Ter)

Gene: CEP41 (centrosomal protein 41; minus strand). Cytogenetic location: 7q32.2.
Variant type: single nucleotide variant.
Coding change: c.1027C>T on transcript NM_018718.3 (MANE Select); coding-DNA position 1027, C replaced by T.
Protein change: p.Arg343Ter; replaces arginine 343 with a stop codon.
Molecular consequence: nonsense. On other transcripts: non-coding transcript variant (1).
Genome position (GRCh38, 1-based): chr7:130,398,986, G>A on the plus strand (C>T on the coding strand, the complement: CEP41 is on the minus strand). VCF-style: chr7-130398986-G-A. GRCh37 (hg19) VCF-style: chr7-130038827-G-A.
Other names: c.811C>T, p.Arg271Ter (NM_001257158.2); c.763C>T, p.Arg255Ter (NM_001257159.2); short protein forms R255*, R343*, R271*.
Identifiers: ClinVar variation 3664942 (VCV003664942.3).

ClinVar aggregate classification (germline): Uncertain significance. Review status: criteria provided, multiple submitters, no conflicts (2 of 4 stars). 2 submissions from 2 submitters: Uncertain significance (2). Last evaluated 2026-02-01.

Conditions:
Joubert syndrome 15 (JBTS15). Identifiers: Orphanet 475, MedGen C3280897, MONDO:0013763, OMIM 614464.

gnomAD v4.1: 17 of 1,614,062 alleles (0.0011%); highest among the groups gnomAD compares: African/African-American, 0.0027%; no homozygotes.

Submissions (2):

Labcorp Genetics (formerly Invitae), Labcorp
Classification: Uncertain significance for Joubert syndrome 15. Last evaluated: 2026-02-01. Review status: criteria provided, single submitter. Criteria: Invitae Variant Classification Sherloc (09022015). Collection method: clinical testing. Allele origin: germline.
Comment: This sequence change creates a premature translational stop signal (p.Arg343*) in the CEP41 gene. While this is not anticipated to result in nonsense mediated decay, it is expected to disrupt the last 31 amino acid(s) of the CEP41 protein. This variant is present in population databases (rs782738694, gnomAD 0.008%). This variant has not been reported in the literature in individuals affected with CEP41-related conditions. ClinVar contains an entry for this variant (Variation ID: 3664942). Experimental studies and prediction algorithms are not available or were not evaluated, and the functional significance of this variant is currently unknown. In summary, the available evidence is currently insufficient to determine the role of this variant in disease. Therefore, it has been classified as a Variant of Uncertain Significance.

Blueprint Genetics
Classification: Uncertain significance. Last evaluated: 2023-09-13. Review status: criteria provided, single submitter. Criteria: ACMG Guidelines, 2015. Collection method: clinical testing. Allele origin: germline.